The following is an entry in ClinVar:

ClinVar aggregate classification (germline): Likely benign. Review status: criteria provided, multiple submitters, no conflicts (2 of 4 stars). 2 submissions from 2 submitters: Likely benign (2). Last evaluated 2025-07-07.

Allele frequency attached by ClinVar (database versions not stated): gnomAD 0.00001; TOPMed 0.00001.
gnomAD v4.1: 10 of 1,614,112 alleles (0.00062%); highest among the groups gnomAD compares: Non-Finnish European, 0.00085%; no homozygotes.

Submissions (2):

Labcorp Genetics (formerly Invitae), Labcorp
Classification: Likely benign. Last evaluated: 2025-07-07. Review status: criteria provided, single submitter. Criteria: Invitae Variant Classification Sherloc (09022015). Collection method: clinical testing. Allele origin: germline.

CeGaT Center for Human Genetics Tuebingen
Classification: Likely benign. Last evaluated: 2022-06-01. Review status: criteria provided, single submitter. Criteria: CeGaT Center For Human Genetics Tuebingen Variant Classification Criteria Version 2. Collection method: clinical testing. Allele origin: germline. Affected: yes. Observed: 1 variant allele.
Comment: DENND5A: BP4, BP7

NM_015213.4(DENND5A):c.2985G>T (p.Val995=)

Gene: DENND5A (DENN domain containing 5A; minus strand). Cytogenetic location: 11p15.4.
Variant type: single nucleotide variant.
Coding change: c.2985G>T on transcript NM_015213.4 (MANE Select); coding-DNA position 2985, G replaced by T.
Protein change: p.Val995=; no amino-acid change (valine 995 retained).
Molecular consequence: synonymous variant. On other transcripts: non-coding transcript variant (1).
Genome position (GRCh38, 1-based): chr11:9,145,688, C>A on the plus strand (G>T on the coding strand, the complement: DENND5A is on the minus strand). VCF-style: chr11-9145688-C-A. GRCh37 (hg19) VCF-style: chr11-9167235-C-A.
Other names: c.2985G>T, p.Val995= (NM_001243254.2, NM_001348748.1); c.2913G>T, p.Val971= (NM_001348749.2); c.2697G>T, p.Val899= (NM_001348750.2).
Identifiers: ClinVar variation 2641590 (VCV002641590.27), dbSNP rs965015527, ClinGen allele CA217538098.